The following is an entry in ClinVar:

ClinVar aggregate classification (germline): Uncertain significance (1 of 4 stars; one submission).

gnomAD v4.1: 17 of 1,614,126 alleles (0.0011%); highest among the groups gnomAD compares: Middle Eastern, 0.016%; no homozygotes.

Submission:

Labcorp Genetics (formerly Invitae), Labcorp
Classification: Uncertain significance. Last evaluated: 2025-10-03. Review status: criteria provided, single submitter. Criteria: Invitae Variant Classification Sherloc (09022015). Collection method: clinical testing. Allele origin: germline.
Comment: This sequence change replaces tyrosine, which is neutral and polar, with cysteine, which is neutral and slightly polar, at codon 1179 of the DNAH9 protein (p.Tyr1179Cys). This variant is present in population databases (rs547355764, gnomAD 0.003%). This variant has not been reported in the literature in individuals affected with DNAH9-related conditions. Invitae Evidence Modeling of protein sequence and biophysical properties (such as structural, functional, and spatial information, amino acid conservation, physicochemical variation, residue mobility, and thermodynamic stability) indicates that this missense variant is not expected to disrupt DNAH9 protein function with a negative predictive value of 80%. In summary, the available evidence is currently insufficient to determine the role of this variant in disease. Therefore, it has been classified as a Variant of Uncertain Significance.

NM_001372.4(DNAH9):c.3536A>G (p.Tyr1179Cys)

Gene: DNAH9 (dynein axonemal heavy chain 9; plus strand). Cytogenetic location: 17p12.
Variant type: single nucleotide variant.
Coding change: c.3536A>G on transcript NM_001372.4 (MANE Select); coding-DNA position 3536, A replaced by G.
Protein change: p.Tyr1179Cys; replaces tyrosine 1179 with cysteine.
Molecular consequence: missense variant.
Genome position (GRCh38, 1-based): chr17:11,679,939, A>G. VCF-style: chr17-11679939-A-G. GRCh37 (hg19) VCF-style: chr17-11583256-A-G.
Other names: short protein forms Y1179C.
Identifiers: ClinVar variation 4697357 (VCV004697357.1).